The following is an entry in ClinVar:

NM_015355.4(SUZ12):c.140G>C (p.Gly47Ala)

Gene: SUZ12 (SUZ12 polycomb repressive complex 2 subunit; plus strand). Cytogenetic location: 17q11.2.
Variant type: single nucleotide variant.
Coding change: c.140G>C on transcript NM_015355.4 (MANE Select); coding-DNA position 140, G replaced by C.
Protein change: p.Gly47Ala; replaces glycine 47 with alanine.
Molecular consequence: missense variant.
Genome position (GRCh38, 1-based): chr17:31,937,386, G>C. VCF-style: chr17-31937386-G-C. GRCh37 (hg19) VCF-style: chr17-30264405-G-C.
Other names: c.140G>C, p.Gly47Ala (NM_001321207.2); short protein forms G47A.
Identifiers: ClinVar variation 2231374 (VCV002231374.3), dbSNP rs1905998196, ClinGen allele CA399030850.

ClinVar aggregate classification (germline): Conflicting classifications of pathogenicity. Review status: criteria provided, conflicting classifications (1 of 4 stars). 2 submissions from 2 submitters: Uncertain significance (1); Likely benign (1). Last evaluated 2024-09-20.

Conditions:
Inborn genetic diseases. Identifiers: MedGen C0950123, MeSH D030342.
Imagawa-Matsumoto syndrome. Identifiers: Orphanet 659463, MedGen C5394073, MONDO:0032916, OMIM 618786.

Allele frequency attached by ClinVar (database versions not stated): TOPMed 0.00001.

Submissions (2):

3billion
Classification: Likely benign for Imagawa-Matsumoto syndrome. Last evaluated: 2024-09-20. Review status: criteria provided, single submitter. Criteria: ACMG Guidelines, 2015. Collection method: clinical testing. Allele origin: germline. Affected: no.
Comment: The variant was identified in at least one patient who was diagnosed with a different variant in another gene and showed no symptoms related to the gene containing the variant in question.

Ambry Genetics
Classification: Uncertain significance for Inborn genetic diseases. Last evaluated: 2021-07-16. Review status: criteria provided, single submitter. Criteria: Ambry Variant Classification Scheme 2023. Collection method: clinical testing. Allele origin: germline.